The following is an entry in ClinVar:

ClinVar aggregate classification (germline): Conflicting classifications of pathogenicity. Review status: criteria provided, conflicting classifications (1 of 4 stars). 3 submissions from 3 submitters: Uncertain significance (2); Likely benign (1). Last evaluated 2025-01-15.

Conditions:
IMPG2-related disorder. Also called: IMPG2-related condition.

Allele frequency attached by ClinVar (database versions not stated): ExAC 0.00002; gnomAD exomes 0.00002; gnomAD 0.00003 and 0.00004; TOPMed 0.00005.
gnomAD v4.1: 77 of 1,602,010 alleles (0.0048%); highest among the groups gnomAD compares: Admixed American, 0.013%; no homozygotes.

Submissions (3):

Labcorp Genetics (formerly Invitae), Labcorp
Classification: Uncertain significance. Last evaluated: 2025-01-15. Review status: criteria provided, single submitter. Criteria: Invitae Variant Classification Sherloc (09022015). Collection method: clinical testing. Allele origin: germline.
Comment: This sequence change falls in intron 11 of the IMPG2 gene. It does not directly change the encoded amino acid sequence of the IMPG2 protein. It affects a nucleotide within the consensus splice site. This variant is present in population databases (rs766767916, gnomAD 0.01%). This variant has not been reported in the literature in individuals affected with IMPG2-related conditions. ClinVar contains an entry for this variant (Variation ID: 1367609). Variants that disrupt the consensus splice site are a relatively common cause of aberrant splicing (PMID: 17576681, 9536098). Algorithms developed to predict the effect of sequence changes on RNA splicing suggest that this variant is not likely to affect RNA splicing. In summary, the available evidence is currently insufficient to determine the role of this variant in disease. Therefore, it has been classified as a Variant of Uncertain Significance.

PreventionGenetics, part of Exact Sciences
Classification: Likely benign for IMPG2-related condition. Last evaluated: 2024-10-16. Review status: criteria provided, single submitter. Criteria: ACMG Guidelines, 2015. Collection method: clinical testing. Allele origin: germline.
Comment: This variant is classified as likely benign based on ACMG/AMP sequence variant interpretation guidelines (Richards et al. 2015 PMID: 25741868, with internal and published modifications).

Blueprint Genetics
Classification: Uncertain significance. Last evaluated: 2023-12-22. Review status: criteria provided, single submitter. Criteria: ACMG Guidelines, 2015. Collection method: clinical testing. Allele origin: germline.

Literature cited by the submitters: PubMed 17576681 (cited by Labcorp Genetics (formerly Invitae), Labcorp); PubMed 9536098 (cited by Labcorp Genetics (formerly Invitae), Labcorp).

NM_016247.4(IMPG2):c.1239+6T>A

Gene: IMPG2 (interphotoreceptor matrix proteoglycan 2; minus strand). Cytogenetic location: 3q12.3.
Variant type: single nucleotide variant.
Coding change: c.1239+6T>A on transcript NM_016247.4 (MANE Select); 6 bases into the intron after coding-DNA position 1239, T replaced by A.
Molecular consequence: intron variant.
Genome position (GRCh38, 1-based): chr3:101,253,690, A>T on the plus strand (T>A on the coding strand, the complement: IMPG2 is on the minus strand). VCF-style: chr3-101253690-A-T. GRCh37 (hg19) VCF-style: chr3-100972534-A-T.
Other names: c.1239+6T>A (NM_016247.3).
Identifiers: ClinVar variation 1367609 (VCV001367609.6), dbSNP rs766767916, ClinGen allele CA2519238.